The following is an entry in ClinVar:

NM_020247.5(COQ8A):c.700A>G (p.Lys234Glu)

Gene: COQ8A (coenzyme Q8A; plus strand). Cytogenetic location: 1q42.13.
Variant type: single nucleotide variant.
Coding change: c.700A>G on transcript NM_020247.5 (MANE Select); coding-DNA position 700, A replaced by G.
Protein change: p.Lys234Glu; replaces lysine 234 with glutamic acid.
Molecular consequence: missense variant.
Genome position (GRCh38, 1-based): chr1:226,977,493, A>G. VCF-style: chr1-226977493-A-G. GRCh37 (hg19) VCF-style: chr1-227165194-A-G.
Other names: short protein forms K234E.
Identifiers: ClinVar variation 4999059 (VCV004999059.1).

ClinVar aggregate classification (germline): Uncertain significance (1 of 4 stars; one submission).

Conditions:
COQ8A-related disorder. Also called: COQ8A-related condition.

gnomAD v4.1: 4 of 1,567,852 alleles (0.00026%); highest among the groups gnomAD compares: Non-Finnish European, 0.00035%; no homozygotes.

Submission:

PreventionGenetics, part of Exact Sciences
Classification: Uncertain significance for COQ8A-related condition. Last evaluated: 2025-02-25. Review status: criteria provided, single submitter. Criteria: ACMG Guidelines, 2015. Collection method: clinical testing. Allele origin: germline.
Comment: The COQ8A c.700A>G variant is predicted to result in the amino acid substitution p.Lys234Glu. To our knowledge, this variant has not been reported in the literature or in a large population database (gnomAD), indicating this variant is rare. At this time, the clinical significance of this variant is uncertain due to the absence of conclusive functional and genetic evidence.